The following is an entry in ClinVar:

ClinVar aggregate classification (germline): Benign/Likely benign. Review status: criteria provided, multiple submitters, no conflicts (2 of 4 stars). 7 submissions from 5 submitters: Benign (6); Likely benign (1). Last evaluated 2026-02-04.

Conditions:
Thrombophilia due to thrombin defect (THPH1). Also called: Thrombosis susceptibility; THROMBOPHILIA DUE TO FACTOR 2 DEFECT; Prothrombin-Related Thrombophilia (Factor II); Prothrombin Thrombophilia. Identifiers: MedGen C3160733, MONDO:0008559, OMIM 188050. Disease mechanism: gain of function, loss of function.
Congenital factor V deficiency. Also called: LABILE FACTOR DEFICIENCY; OWREN PARAHEMOPHILIA; PARAHEMOPHILIA; Hereditary factor V deficiency disease. Identifiers: Orphanet 326, MedGen C0015499, MONDO:0009210, OMIM 227400.
Budd-Chiari syndrome (BDCHS). Also called: Hepatic vein obstruction. Identifiers: Orphanet 131, MedGen C0856761, MONDO:0010947, OMIM 600880, HP:0002639.
Factor V deficiency. Also called: Reduced coagulation factor V activity. Identifiers: Orphanet 326, MedGen C4317320, MONDO:0020586, HP:0003225.

Allele frequency attached by ClinVar (database versions not stated): gnomAD exomes 0.26127; ESP Exome Variant Server 0.31124; gnomAD 0.33707; TOPMed 0.34018; 1000 Genomes Project 0.41773; 1000 Genomes Project 30x 0.42021.
gnomAD v4.1: 343,919 of 1,613,178 alleles (21%); highest among the groups gnomAD compares: East Asian, 61%; 47,929 homozygotes.

Submissions (7):

Labcorp Genetics (formerly Invitae), Labcorp
Classification: Benign for Congenital factor V deficiency. Last evaluated: 2026-02-04. Review status: criteria provided, single submitter. Criteria: Invitae Variant Classification Sherloc (09022015). Collection method: clinical testing. Allele origin: germline.

Illumina Laboratory Services, Illumina
Classification: Benign for Venous thrombosis. Last evaluated: 2018-01-13. Review status: criteria provided, single submitter. Criteria: ICSL Variant Classification Criteria 13 December 2019. Collection method: clinical testing. Allele origin: germline.
Comment: This variant was observed in the ICSL laboratory as part of a predisposition screen in an ostensibly healthy population. It had not been previously curated by ICSL or reported in the Human Gene Mutation Database (HGMD: prior to June 1st, 2018), and was therefore a candidate for classification through an automated scoring system. Utilizing variant allele frequency, disease prevalence and penetrance estimates, and inheritance mode, an automated score was calculated to assess if this variant is too frequent to cause the disease. Based on the score and internal cut-off values, a variant classified as benign is not then subjected to further curation. The score for this variant resulted in a classification of benign for this disease.

Illumina Laboratory Services, Illumina
Classification: Benign for Budd-Chiari syndrome. Last evaluated: 2018-01-13. Review status: criteria provided, single submitter. Criteria: ICSL Variant Classification Criteria 13 December 2019. Collection method: clinical testing. Allele origin: germline.
Comment: the same text as in the submission from Illumina Laboratory Services, Illumina above.

Illumina Laboratory Services, Illumina
Classification: Benign for Congenital factor V deficiency. Last evaluated: 2018-01-13. Review status: criteria provided, single submitter. Criteria: ICSL Variant Classification Criteria 13 December 2019. Collection method: clinical testing. Allele origin: germline.
Comment: the same text as in the submission from Illumina Laboratory Services, Illumina above.

Mayo Clinic Laboratories, Mayo Clinic
Classification: Benign. Last evaluated: 2016-07-06. Review status: criteria provided, single submitter. Criteria: ACMG Guidelines, 2015. Collection method: clinical testing. Allele origin: germline. Observed: 81 variant alleles.

Breakthrough Genomics
Classification: Likely benign. Review status: criteria provided, single submitter. Criteria: ACMG Guidelines, 2015. Collection method: not provided. Allele origin: germline. Inheritance: Autosomal recessive inheritance. Affected: yes.

PreventionGenetics, part of Exact Sciences
Classification: Benign. Review status: criteria provided, single submitter. Criteria: ACMG Guidelines, 2015. Collection method: clinical testing. Allele origin: germline.

NM_000130.5(F5):c.552G>T (p.Ser184=)

Gene: F5 (coagulation factor V; minus strand). Cytogenetic location: 1q24.2.
Variant type: single nucleotide variant.
Coding change: c.552G>T on transcript NM_000130.5 (MANE Select); coding-DNA position 552, G replaced by T.
Protein change: p.Ser184=; no amino-acid change (serine 184 retained).
Molecular consequence: synonymous variant.
Genome position (GRCh38, 1-based): chr1:169,560,588, C>A on the plus strand (G>T on the coding strand, the complement: F5 is on the minus strand). VCF-style: chr1-169560588-C-A. GRCh37 (hg19) VCF-style: chr1-169529826-C-A.
Other names: p.Ser184=.
Identifiers: ClinVar variation 255212 (VCV000255212.12), dbSNP rs6022, ClinGen allele CA1234585.